The following is an entry in ClinVar:

ClinVar aggregate classification (germline): Pathogenic (1 of 4 stars; one submission).

Conditions:
Neurofibromatosis, type 1 (NF1). Also called: Peripheral type neurofibromatosis; VON RECKLINGHAUSEN DISEASE; NEUROFIBROMATOSIS, TYPE I, SOMATIC; Neurofibromatosis, type I. Identifiers: Orphanet 636, MedGen C0027831, MONDO:0018975, OMIM 162200. Disease mechanism: loss of function.

Submission:

Labcorp Genetics (formerly Invitae), Labcorp
Classification: Pathogenic for Neurofibromatosis, type 1. Last evaluated: 2022-08-25. Review status: criteria provided, single submitter. Criteria: Invitae Variant Classification Sherloc (09022015). Collection method: clinical testing. Allele origin: germline.
Comment: For these reasons, this variant has been classified as Pathogenic. This sequence change creates a premature translational stop signal (p.Ile1698Argfs*3) in the NF1 gene. It is expected to result in an absent or disrupted protein product. Loss-of-function variants in NF1 are known to be pathogenic (PMID: 10712197, 23913538). This variant is not present in population databases (gnomAD no frequency). This premature translational stop signal has been observed in individual(s) with neurofibromatosis type 1 (PMID: 26969325).

Literature cited by the submitters: PubMed 10712197; PubMed 23913538; PubMed 26969325.

NM_001042492.3(NF1):c.5154_5155del (p.Ile1719fs)

Gene: NF1 (neurofibromin 1; plus strand). Cytogenetic location: 17q11.2.
Variant type: Microsatellite.
Coding change: c.5154_5155del on transcript NM_001042492.3 (MANE Select); coding-DNA positions 5154 to 5155, 2 bases deleted (CA; older notation c.5154_5155delCA).
Protein change: p.Ile1719fs; shifts the reading frame from isoleucine 1719.
Molecular consequence: frameshift variant.
Genome position (GRCh38, 1-based): chr17:31,326,138-31,326,139, CA deleted; deleting any 2 consecutive bases within chr17:31,326,136-31,326,139 gives the same sequence; the c. name uses the placement nearest the transcript's 3' end. VCF-style (leftmost placement, unchanged base first): chr17-31326135-GCA-G. GRCh37 (hg19) VCF-style: chr17-29653153-GCA-G.
Other names: c.5089_5090CA[1], p.Ile1698Argfs (NM_000267.4); short protein forms I1698fs, I1719fs.
Identifiers: ClinVar variation 2137987 (VCV002137987.4), dbSNP rs2508697574, ClinGen allele CA2580614076.